The following is an entry in ClinVar:

ClinVar aggregate classification (germline): Uncertain significance. Review status: criteria provided, multiple submitters, no conflicts (2 of 4 stars). 2 submissions from 2 submitters: Uncertain significance (2). Last evaluated 2025-12-04.

Conditions:
Inborn genetic diseases. Identifiers: MedGen C0950123, MeSH D030342.

Allele frequency attached by ClinVar (database versions not stated): gnomAD 0.00002 and 0.00003; gnomAD exomes 0.00007; 1000 Genomes Project 0.00020; ExAC 0.00007; 1000 Genomes Project 30x 0.00031.
gnomAD v4.1: 85 of 1,612,342 alleles (0.0053%); highest among the groups gnomAD compares: South Asian, 0.055%; 2 homozygotes.

Submissions (2):

Ambry Genetics
Classification: Uncertain significance for Inborn genetic diseases. Last evaluated: 2025-12-04. Review status: criteria provided, single submitter. Criteria: Ambry Variant Classification Scheme 2023. Collection method: clinical testing. Allele origin: germline.

Labcorp Genetics (formerly Invitae), Labcorp
Classification: Uncertain significance. Last evaluated: 2022-05-06. Review status: criteria provided, single submitter. Criteria: Invitae Variant Classification Sherloc (09022015). Collection method: clinical testing. Allele origin: germline.
Comment: In summary, the available evidence is currently insufficient to determine the role of this variant in disease. Therefore, it has been classified as a Variant of Uncertain Significance. Algorithms developed to predict the effect of missense changes on protein structure and function output the following: SIFT: "Tolerated"; PolyPhen-2: "Benign"; Align-GVGD: "Class C0". The histidine amino acid residue is found in multiple mammalian species, which suggests that this missense change does not adversely affect protein function. This variant has not been reported in the literature in individuals affected with CUL7-related conditions. This variant is present in population databases (rs201968688, gnomAD 0.04%). This sequence change replaces arginine, which is basic and polar, with histidine, which is basic and polar, at codon 734 of the CUL7 protein (p.Arg734His).

NM_014780.5(CUL7):c.2201G>A (p.Arg734His)

Gene: CUL7 (cullin 7; minus strand). Cytogenetic location: 6p21.1.
Variant type: single nucleotide variant.
Coding change: c.2201G>A on transcript NM_014780.5 (MANE Select); coding-DNA position 2201, G replaced by A.
Protein change: p.Arg734His; replaces arginine 734 with histidine.
Molecular consequence: missense variant.
Genome position (GRCh38, 1-based): chr6:43,047,076, C>T on the plus strand (G>A on the coding strand, the complement: CUL7 is on the minus strand). VCF-style: chr6-43047076-C-T. GRCh37 (hg19) VCF-style: chr6-43014814-C-T.
Other names: c.2297G>A, p.Arg766His (NM_001168370.2, NM_001374872.1); c.2201G>A, p.Arg734His (NM_001374873.1, NM_001374874.1); c.2201G>A (NM_014780.4); short protein forms R766H, R734H.
Identifiers: ClinVar variation 1381341 (VCV001381341.7), dbSNP rs201968688, ClinGen allele CA3813949.
Genomic context (GRCh38, chr6:43,047,076, plus strand): 5'-GCGTCTCTTGCTCCCAGCTGATTCAGCACCACGGCATAGTCCCTGCTCACTGAGGTCAGG[C>T]GGTGCAGGAAGAAAATCAGTTCCTGGAGCACCTGGGTGGGGACATAAGGGAGGAGATGAA-3'
Protein context (NP_055595.2, residues 724-744): VLQELIFFLH[Arg734His]LTSVSRDYAV